The following is an entry in ClinVar:

ClinVar aggregate classification (germline): Uncertain significance. Review status: criteria provided, multiple submitters, no conflicts (2 of 4 stars). 2 submissions from 2 submitters: Uncertain significance (2). Last evaluated 2025-02-11.

Conditions:
Charcot-Marie-Tooth disease dominant intermediate F. Identifiers: Orphanet 352670, MedGen C4749463, MONDO:0014074, OMIM 615185.

Allele frequency attached by ClinVar (database versions not stated): ExAC 0.00002; gnomAD 0.00002 and 0.00003; TOPMed 0.00003; ESP Exome Variant Server 0.00008.
gnomAD v4.1: 32 of 1,613,940 alleles (0.002%); highest among the groups gnomAD compares: Non-Finnish European, 0.0027%; no homozygotes.

Submissions (2):

Women's Health and Genetics/Laboratory Corporation of America, LabCorp
Classification: Uncertain significance. Last evaluated: 2025-02-11. Review status: criteria provided, single submitter. Criteria: LabCorp Variant Classification Summary - May 2015. Collection method: clinical testing. Allele origin: germline.
Comment: Variant summary: GNB4 c.759T>G (p.Phe253Leu) results in a non-conservative amino acid change located in the WD40 repeats (IPR001680) of the encoded protein sequence. Four of five in-silico tools predict a damaging effect of the variant on protein function. The variant allele was found at a frequency of 4e-06 in 251314 control chromosomes. The available data on variant occurrences in the general population are insufficient to allow any conclusion about variant significance. To our knowledge, no occurrence of c.759T>G in individuals affected with Charcot-Marie-Tooth disease dominant intermediate F and no experimental evidence demonstrating its impact on protein function have been reported. ClinVar contains an entry for this variant (Variation ID: 640868). Based on the evidence outlined above, the variant was classified as uncertain significance.

Labcorp Genetics (formerly Invitae), Labcorp
Classification: Uncertain significance for Charcot-Marie-Tooth disease dominant intermediate F. Last evaluated: 2023-07-25. Review status: criteria provided, single submitter. Criteria: Invitae Variant Classification Sherloc (09022015). Collection method: clinical testing. Allele origin: germline.
Comment: This sequence change replaces phenylalanine, which is neutral and non-polar, with leucine, which is neutral and non-polar, at codon 253 of the GNB4 protein (p.Phe253Leu). This variant is present in population databases (rs368061934, gnomAD 0.002%). This variant has not been reported in the literature in individuals affected with GNB4-related conditions. ClinVar contains an entry for this variant (Variation ID: 640868). Advanced modeling of protein sequence and biophysical properties (such as structural, functional, and spatial information, amino acid conservation, physicochemical variation, residue mobility, and thermodynamic stability) performed at Invitae indicates that this missense variant is expected to disrupt GNB4 protein function. In summary, the available evidence is currently insufficient to determine the role of this variant in disease. Therefore, it has been classified as a Variant of Uncertain Significance.

NM_021629.4(GNB4):c.759T>G (p.Phe253Leu)

Gene: GNB4 (G protein subunit beta 4; minus strand). Cytogenetic location: 3q26.33.
Variant type: single nucleotide variant.
Coding change: c.759T>G on transcript NM_021629.4 (MANE Select); coding-DNA position 759, T replaced by G.
Protein change: p.Phe253Leu; replaces phenylalanine 253 with leucine.
Molecular consequence: missense variant.
Genome position (GRCh38, 1-based): chr3:179,405,347, A>C on the plus strand (T>G on the coding strand, the complement: GNB4 is on the minus strand). VCF-style: chr3-179405347-A-C. GRCh37 (hg19) VCF-style: chr3-179123135-A-C.
Other names: short protein forms F253L.
Identifiers: ClinVar variation 640868 (VCV000640868.11), dbSNP rs368061934, ClinGen allele CA2712414.
Genomic context (GRCh38, chr3:179,405,347, plus strand): 5'-GATTCCACAGATGATATTGTCATGAGAATACAATAATAACTCTTGATCTGCACGAAGGTC[A>C]AAGAGCCGGCAAGTGGCATCATCAGAGCCAGTGGCGAAGGCATATCCATTTGGGAAAAAC-3'
Protein context (NP_067642.1, residues 243-263): TGSDDATCRL[Phe253Leu]DLRADQELLL